The following is an entry in ClinVar:

NM_014967.5(FAN1):c.2488+6T>A

Genes: FAN1 (FANCD2 and FANCI associated nuclease 1; plus strand), MTMR10 (myotubularin related protein 10; minus strand). Cytogenetic location: 15q13.3.
Variant type: single nucleotide variant.
Coding change: c.2488+6T>A on transcript NM_014967.5 (MANE Select); 6 bases into the intron after coding-DNA position 2488, T replaced by A.
Molecular consequence: intron variant.
Genome position (GRCh38, 1-based): chr15:30,925,945, T>A. VCF-style: chr15-30925945-T-A. GRCh37 (hg19) VCF-style: chr15-31218148-T-A.
Identifiers: ClinVar variation 1909194 (VCV001909194.5), dbSNP rs373503800, ClinGen allele CA7450625.
Genomic context (GRCh38, chr15:30,925,945, plus strand): 5'-TGCTCTGTGGAGGAGCTGGCACTGGCCCATTACAGACGCAGCGGTTTTGACCAGGGTAAC[T>A]GAGCAGGCTTTCTCTTGTGGCACCCAGCCCCGGGTGGACGAGCAGCAGCACTGGATGGGC-3'

ClinVar aggregate classification (germline): Uncertain significance (1 of 4 stars; one submission).

Allele frequency attached by ClinVar (database versions not stated): TOPMed 0.00003.
gnomAD v4.1: 13 of 1,613,856 alleles (0.00081%); highest among the groups gnomAD compares: Non-Finnish European, 0.001%; 1 homozygote.

Submission:

Labcorp Genetics (formerly Invitae), Labcorp
Classification: Uncertain significance. Last evaluated: 2025-05-12. Review status: criteria provided, single submitter. Criteria: Invitae Variant Classification Sherloc (09022015). Collection method: clinical testing. Allele origin: germline.
Comment: This sequence change falls in intron 10 of the FAN1 gene. It does not directly change the encoded amino acid sequence of the FAN1 protein. It affects a nucleotide within the consensus splice site. This variant is present in population databases (rs373503800, gnomAD 0.002%). This variant has not been reported in the literature in individuals affected with FAN1-related conditions. ClinVar contains an entry for this variant (Variation ID: 1909194). Variants that disrupt the consensus splice site are a relatively common cause of aberrant splicing (PMID: 17576681, 9536098). Algorithms developed to predict the effect of sequence changes on RNA splicing suggest that this variant is not likely to affect RNA splicing. In summary, the available evidence is currently insufficient to determine the role of this variant in disease. Therefore, it has been classified as a Variant of Uncertain Significance.

Literature cited by the submitters: PubMed 17576681; PubMed 9536098.